The following is an entry in ClinVar:

NM_001206927.2(DNAH8):c.11818T>C (p.Ser3940Pro)

Genes: DNAH8 (dynein axonemal heavy chain 8; plus strand), DNAH8-AS1 (DNAH8 antisense RNA 1; minus strand). Cytogenetic location: 6p21.2.
Variant type: single nucleotide variant.
Coding change: c.11818T>C on transcript NM_001206927.2 (MANE Select); coding-DNA position 11818, T replaced by C.
Protein change: p.Ser3940Pro; replaces serine 3940 with proline.
Molecular consequence: missense variant.
Genome position (GRCh38, 1-based): chr6:38,938,799, T>C. VCF-style: chr6-38938799-T-C. GRCh37 (hg19) VCF-style: chr6-38906575-T-C.
Other names: c.11167T>C, p.Ser3723Pro (NM_001371.4); short protein forms S3940P, S3723P.
Identifiers: ClinVar variation 957504 (VCV000957504.10), dbSNP rs752843257, ClinGen allele CA3791194.

ClinVar aggregate classification (germline): Uncertain significance. Review status: criteria provided, multiple submitters, no conflicts (2 of 4 stars). 2 submissions from 2 submitters: Uncertain significance (2). Last evaluated 2025-10-03.

Conditions:
Primary ciliary dyskinesia. Also called: Ciliary dyskinesia. Identifiers: Orphanet 244, MedGen C0008780, MONDO:0016575, HP:0012265.

Allele frequency attached by ClinVar (database versions not stated): gnomAD 0.00001 and 0.00002; gnomAD exomes 0.00001; TOPMed 0.00002; ExAC 0.00003.
gnomAD v4.1: 29 of 1,593,986 alleles (0.0018%); highest among the groups gnomAD compares: Middle Eastern, 0.034%; no homozygotes.

Submissions (2):

Labcorp Genetics (formerly Invitae), Labcorp
Classification: Uncertain significance for Primary ciliary dyskinesia. Last evaluated: 2025-10-03. Review status: criteria provided, single submitter. Criteria: Invitae Variant Classification Sherloc (09022015). Collection method: clinical testing. Allele origin: germline.
Comment: This sequence change replaces serine, which is neutral and polar, with proline, which is neutral and non-polar, at codon 3940 of the DNAH8 protein (p.Ser3940Pro). This variant is present in population databases (rs752843257, gnomAD 0.01%). This variant has not been reported in the literature in individuals affected with DNAH8-related conditions. ClinVar contains an entry for this variant (Variation ID: 957504). Experimental studies and prediction algorithms are not available or were not evaluated, and the functional significance of this variant is currently unknown. In summary, the available evidence is currently insufficient to determine the role of this variant in disease. Therefore, it has been classified as a Variant of Uncertain Significance.

Ambry Genetics
Classification: Uncertain significance. Last evaluated: 2025-05-19. Review status: criteria provided, single submitter. Criteria: Ambry Variant Classification Scheme 2023. Collection method: clinical testing. Allele origin: germline.